The following is an entry in ClinVar:

ClinVar aggregate classification (germline): Pathogenic (1 of 4 stars; one submission).

Conditions:
Hyaline fibromatosis syndrome (HFS). Also called: Hyalinosis, Inherited Systemic; HYALINOSIS, SYSTEMIC. Identifiers: Orphanet 2028, Orphanet 498474, MedGen C5574677, MONDO:0009229, OMIM 228600.

Submission:

3billion
Classification: Pathogenic for Hyaline fibromatosis syndrome. Last evaluated: 2025-09-29. Review status: criteria provided, single submitter. Criteria: ACMG Guidelines, 2015. Collection method: clinical testing. Allele origin: germline. Affected: yes.
Comment: The variant is not observed in the gnomAD v4.1.0 dataset. Predicted Consequence/Location: Canonical splice site: predicted to alter splicing and result in a loss or disruption of normal protein function. Multiple pathogenic loss-of-function variants are reported downstream of the variant. In silico tools predict the variant to alter splicing and produce an abnormal transcript [SpliceAI: 1.00 (spliceogenicity >=0.2, non-spliceogenicity <0.1)]. Therefore, this variant is classified as Pathogenic according to the recommendation of ACMG/AMP guideline.

NM_058172.6(ANTXR2):c.945+2T>A

Gene: ANTXR2 (ANTXR cell adhesion molecule 2; minus strand). Cytogenetic location: 4q21.21.
Variant type: single nucleotide variant.
Coding change: c.945+2T>A on transcript NM_058172.6 (MANE Select); the canonical splice donor site of the intron after coding-DNA position 945, T replaced by A.
Molecular consequence: splice donor variant.
Genome position (GRCh38, 1-based): chr4:80,018,896, A>T on the plus strand (T>A on the coding strand, the complement: ANTXR2 is on the minus strand). VCF-style: chr4-80018896-A-T. GRCh37 (hg19) VCF-style: chr4-80940050-A-T.
Other names: c.714+2T>A (NM_001286780.2, NM_001286781.2); c.945+2T>A (NM_001145794.2).
Identifiers: ClinVar variation 4854304 (VCV004854304.1).
Genomic context (GRCh38, chr4:80,018,896, plus strand): 5'-CATAGATTATTTCTGGATGGAATTGCTTTTAAAAGATAATCTTTGTGCAAACTTTTACTT[A>T]CACATTCTGTGGCTGTGACAATTAATGATCCTGAAATGACAGATTTTCCTCCATTAAAGC-3'